The following is an entry in ClinVar:

ClinVar aggregate classification (germline): Pathogenic (1 of 4 stars; one submission).

Submission:

Illumina Laboratory Services, Illumina
Classification: Pathogenic. Last evaluated: 2023-05-08. Review status: criteria provided, single submitter. Criteria: ICSL CNVClassificationCriteria Aug2020. Collection method: clinical testing. Allele origin: unknown.
Comment: This CNV is a 1.3 Mb deletion of 17p12 on chromosome 17 (seq[GRCh37]del(17)(p12); NC_000017.10:g.14098446_15442637del). This CNV overlaps the well-described 17p12 deletion associated with autosomal dominant hereditary neuropathy with liability to pressure palsies (HNPP) and encompasses the following protein coding genes: TVP23C-CDRT4, CDRT15, TEKT3, PMP22, CDRT4, TVP23C, HS3ST3B1, COX10. The 17p12 region is prone to rearrangements due to the presence of low copy repeats, referred to as the proximal CMT1A-REP and distal CMT1A-REP (PMID: 30258273). This deletion fully encompasses the PMP22 gene, which has been identified as the main candidate underlying HNPP. PMP22 encodes the peripheral myelin protein 22 which is associated with myelin organization in the peripheral nervous system (PMID: 23224996; 24697164). Deletions of approximately 1.4 Mb at 17p12 have been described in approximately 85-90% of individuals with clinical evidence of HNPP (PMID: 24646194). Based on the collective evidence, this CNV is classified as pathogenic.

Single allele

Genes: CDRT15 (CMT1A duplicated region transcript 15; minus strand), CDRT4 (CMT1A duplicated region transcript 4; minus strand), COX10 (cytochrome c oxidase assembly factor heme A:farnesyltransferase COX10; plus strand), HS3ST3B1 (heparan sulfate-glucosamine 3-sulfotransferase 3B1; plus strand), PMP22 (peripheral myelin protein 22; minus strand) and 3 more. Cytogenetic location: 17p12.
Variant type: Deletion.
Identifiers: ClinVar variation 2671610 (VCV002671610.1).